The following is an entry in ClinVar:

ClinVar aggregate classification (germline): Uncertain significance. Review status: criteria provided, multiple submitters, no conflicts (2 of 4 stars). 3 submissions from 3 submitters: Uncertain significance (3). Last evaluated 2025-02-28.

Conditions:
Inborn genetic diseases. Identifiers: MedGen C0950123, MeSH D030342.
Acute myeloid leukemia (AML). Also called: Leukemia, acute myeloid, somatic; Leukemia, acute myelogenous, somatic; Acute myeloid leukemia, adult; AML adult; Acute non-lymphocytic leukemia; Acute granulocytic leukemia. Identifiers: Orphanet 519, MedGen C0023467, MeSH D015470, MONDO:0018874, OMIM 601626, HP:0004808. Disease mechanism: Constitutively activated FLT3.

Submissions (3):

Ambry Genetics
Classification: Uncertain significance for Inborn genetic diseases. Last evaluated: 2025-02-28. Review status: criteria provided, single submitter. Criteria: Ambry Variant Classification Scheme 2023. Collection method: clinical testing. Allele origin: germline.
Comment: The p.P13T variant (also known as c.37C>A), located in coding exon 1 of the CEBPA gene, results from a C to A substitution at nucleotide position 37. The proline at codon 13 is replaced by threonine, an amino acid with highly similar properties. This variant was identified amongst 22,659 patients with hematological conditions, but germline origin was not confirmed (Hogg G et al. Cancer Genet, 2023 Nov;278-279:38-49). This amino acid position is highly conserved in available vertebrate species. In addition, this alteration is predicted to be tolerated by in silico analysis. Based on the available evidence, the clinical significance of this variant remains unclear.

GeneDx
Classification: Uncertain significance. Last evaluated: 2024-02-12. Review status: criteria provided, single submitter. Criteria: GeneDx Variant Classification Process June 2021. Collection method: clinical testing. Allele origin: germline. Affected: yes.
Comment: Not observed at significant frequency in large population cohorts (gnomAD); In silico analysis supports that this missense variant has a deleterious effect on protein structure/function; Has not been previously published as pathogenic or benign to our knowledge

Labcorp Genetics (formerly Invitae), Labcorp
Classification: Uncertain significance for Acute myeloid leukemia. Last evaluated: 2023-01-24. Review status: criteria provided, single submitter. Criteria: Invitae Variant Classification Sherloc (09022015). Collection method: clinical testing. Allele origin: germline.
Comment: In summary, the available evidence is currently insufficient to determine the role of this variant in disease. Therefore, it has been classified as a Variant of Uncertain Significance. Algorithms developed to predict the effect of missense changes on protein structure and function are either unavailable or do not agree on the potential impact of this missense change (SIFT: "Deleterious"; PolyPhen-2: "Probably Damaging"; Align-GVGD: "Class C0"). ClinVar contains an entry for this variant (Variation ID: 1396087). This variant has not been reported in the literature in individuals affected with CEBPA-related conditions. This variant is present in population databases (no rsID available, gnomAD 0.01%). This sequence change replaces proline, which is neutral and non-polar, with threonine, which is neutral and polar, at codon 13 of the CEBPA protein (p.Pro13Thr).

Literature cited by the submitters: PubMed 37586297 (cited by Ambry Genetics).

NM_004364.5(CEBPA):c.37C>A (p.Pro13Thr)

Genes: CEBPA (CCAAT enhancer binding protein alpha; minus strand), LOC130064183 (ATAC-STARR-seq lymphoblastoid silent region 10495; plus strand). Cytogenetic location: 19q13.11.
Variant type: single nucleotide variant.
Coding change: c.37C>A on transcript NM_004364.5 (MANE Select); coding-DNA position 37, C replaced by A.
Protein change: p.Pro13Thr; replaces proline 13 with threonine.
Molecular consequence: missense variant. On other transcripts: 5 prime UTR variant (2).
Genome position (GRCh38, 1-based): chr19:33,302,378, G>T on the plus strand (C>A on the coding strand, the complement: CEBPA is on the minus strand). VCF-style: chr19-33302378-G-T. GRCh37 (hg19) VCF-style: chr19-33793284-G-T.
Other names: c.-321C>A (NM_001285829.2); c.142C>A, p.Pro48Thr (NM_001287424.2); c.-6C>A (NM_001287435.2); c.37C>A (NM_004364.3); short protein forms P48T, P13T.
Identifiers: ClinVar variation 1396087 (VCV001396087.11), dbSNP rs961496947, ClinGen allele CA307844461.